The following is an entry in ClinVar:

ClinVar aggregate classification (germline): Uncertain significance. Review status: criteria provided, multiple submitters, no conflicts (2 of 4 stars). 2 submissions from 2 submitters: Uncertain significance (2). Last evaluated 2025-01-27.

gnomAD v4.1: 7 of 1,431,298 alleles (0.00049%); highest among the groups gnomAD compares: South Asian, 0.0089%; no homozygotes.

Submissions (2):

Labcorp Genetics (formerly Invitae), Labcorp
Classification: Uncertain significance. Last evaluated: 2025-01-27. Review status: criteria provided, single submitter. Criteria: Invitae Variant Classification Sherloc (09022015). Collection method: clinical testing. Allele origin: germline.
Comment: This sequence change replaces histidine, which is basic and polar, with glutamine, which is neutral and polar, at codon 87 of the P3H2 protein (p.His87Gln). This variant is not present in population databases (gnomAD no frequency). This variant has not been reported in the literature in individuals affected with P3H2-related conditions. Invitae Evidence Modeling of protein sequence and biophysical properties (such as structural, functional, and spatial information, amino acid conservation, physicochemical variation, residue mobility, and thermodynamic stability) indicates that this missense variant is not expected to disrupt P3H2 protein function with a negative predictive value of 80%. In summary, the available evidence is currently insufficient to determine the role of this variant in disease. Therefore, it has been classified as a Variant of Uncertain Significance.

Blueprint Genetics
Classification: Uncertain significance. Last evaluated: 2024-04-09. Review status: criteria provided, single submitter. Criteria: ACMG Guidelines, 2015. Collection method: clinical testing. Allele origin: germline.

NM_018192.4(P3H2):c.261C>G (p.His87Gln)

Gene: P3H2 (prolyl 3-hydroxylase 2; minus strand). Cytogenetic location: 3q28.
Variant type: single nucleotide variant.
Coding change: c.261C>G on transcript NM_018192.4 (MANE Select); coding-DNA position 261, C replaced by G.
Protein change: p.His87Gln; replaces histidine 87 with glutamine.
Molecular consequence: missense variant. On other transcripts: intron variant (1).
Genome position (GRCh38, 1-based): chr3:190,120,471, G>C on the plus strand (C>G on the coding strand, the complement: P3H2 is on the minus strand). VCF-style: chr3-190120471-G-C. GRCh37 (hg19) VCF-style: chr3-189838260-G-C.
Other names: c.-64+1732C>G (NM_001134418.2); short protein forms H87Q.
Identifiers: ClinVar variation 4695361 (VCV004695361.2).